The following is an entry in ClinVar:

NM_000458.4(HNF1B):c.-14dup

Gene: HNF1B (HNF1 homeobox B; minus strand). Cytogenetic location: 17q12.
Variant type: Duplication.
Coding change: c.-14dup on transcript NM_000458.4 (MANE Select); 14 bases upstream of the start codon, one base duplicated (T; older notation c.-14dupT).
Molecular consequence: 5 prime UTR variant.
Genome position (GRCh38, 1-based): chr17:37,744,898, A duplicated on the plus strand (T on the coding strand, the reverse complement: HNF1B is on the minus strand); the first of 5 consecutive A bases (chr17:37,744,898-37,744,902); duplicating any one gives the same sequence. VCF-style (leftmost placement, unchanged base first): chr17-37744897-G-GA. GRCh37 (hg19) VCF-style: chr17-36104888-G-GA.
Other names: c.-14dup (NM_001304286.2, NM_001165923.4).
Identifiers: ClinVar variation 36836 (VCV000036836.4), dbSNP rs193922481, ClinGen allele CA214342.

ClinVar aggregate classification (germline): Uncertain significance. Review status: criteria provided, multiple submitters, no conflicts (2 of 4 stars). 2 submissions from 2 submitters: Uncertain significance (2). Last evaluated 2011-08-18.

Conditions:
Renal cysts and diabetes syndrome (RCAD). Also called: MATURITY-ONSET DIABETES OF THE YOUNG, TYPE 5; Familial hypoplastic, glomerulocystic kidney. Identifiers: Orphanet 93111, MedGen C0431693, MONDO:0007669, OMIM 137920.
Maturity-onset diabetes of the young (MODY). Also called: Maturity onset diabetes mellitus in young. Identifiers: Orphanet 552, MedGen C0342276, MONDO:0018911, HP:0004904.

Submissions (2):

Women's Health and Genetics/Laboratory Corporation of America, LabCorp
Classification: Uncertain significance for MODY5. Last evaluated: 2011-08-18. Review status: criteria provided, single submitter. Criteria: LabCorp Variant Classification Summary - May 2015. Collection method: curation, clinical testing. Allele origin: germline. Inheritance: autosomal unknown. Affected: yes.
ClinVar note: Converted during submission from uncertain to Uncertain significance.

Clinical Genomics, Uppaluri K&H Personalized Medicine Clinic
Classification: Uncertain significance for Maturity-onset diabetes of the young. Review status: criteria provided, single submitter. Criteria: K & H Uppaluri Personalized Medicine Clinic Variant Classification & Assertion Criteria_Updated V.1. Collection method: research. Allele origin: unknown. Inheritance: Autosomal dominant inheritance.
Comment: HNF1B gene mutations are associated with early onset diabetes and pancreatic atrophy. It is also associated with multiple renal manifestations including renal cysts, Tubulointerstitial disease, glomerulocystic disease, renal hypoplasia, hypomagnesemia. However no sufficient evidence is found to ascertain the role of this particular variant rs193922481, yet.

Literature cited by the submitters: PubMed 24897035 (cited by Clinical Genomics, Uppaluri K&H Personalized Medicine Clinic); PubMed 25536396 (cited by Clinical Genomics, Uppaluri K&H Personalized Medicine Clinic); PubMed 27615128 (cited by Clinical Genomics, Uppaluri K&H Personalized Medicine Clinic); PubMed 28215227 (cited by Clinical Genomics, Uppaluri K&H Personalized Medicine Clinic); PubMed 33434175 (cited by Clinical Genomics, Uppaluri K&H Personalized Medicine Clinic); PubMed 25741167 (cited by Clinical Genomics, Uppaluri K&H Personalized Medicine Clinic); PubMed 26340261 (cited by Clinical Genomics, Uppaluri K&H Personalized Medicine Clinic); PubMed 19639018 (cited by Clinical Genomics, Uppaluri K&H Personalized Medicine Clinic).